The following is an entry in ClinVar:

NM_021120.4(DLG3):c.100C>T (p.Gln34Ter)

Gene: DLG3 (discs large MAGUK scaffold protein 3; plus strand). Cytogenetic location: Xq13.1.
Variant type: single nucleotide variant.
Coding change: c.100C>T on transcript NM_021120.4 (MANE Select); coding-DNA position 100, C replaced by T.
Protein change: p.Gln34Ter; replaces glutamine 34 with a stop codon.
Molecular consequence: nonsense.
Genome position (GRCh38, 1-based): chrX:70,445,301, C>T. VCF-style: chrX-70445301-C-T. GRCh37 (hg19) VCF-style: chrX-69665151-C-T.
Other names: short protein forms Q34*.
Identifiers: ClinVar variation 2577711 (VCV002577711.1), dbSNP rs2519725017, ClinGen allele CA413490327.
Genomic context (GRCh38, chrX:70,445,301, plus strand): 5'-TATGAGGTGACCCGCCTGGCCGCCCTGCGGCGCCTCGAGCCTCCGGGCTACGGCGACTGG[C>T]AAGTCCCCGACCCTTACGGGCCAGGTGGGGGCAACGGCGCCAGCGCGGGTTATGGGGGCT-3'

ClinVar aggregate classification (germline): Pathogenic (1 of 4 stars; one submission).

Submission:

GeneDx
Classification: Pathogenic. Last evaluated: 2023-02-22. Review status: criteria provided, single submitter. Criteria: GeneDx Variant Classification Process June 2021. Collection method: clinical testing. Allele origin: germline. Affected: yes.
Comment: Nonsense variant predicted to result in protein truncation or nonsense mediated decay in a gene for which loss of function is a known mechanism of disease; Not observed at significant frequency in large population cohorts (gnomAD); Has not been previously published as pathogenic or benign to our knowledge